The following is an entry in ClinVar:

ClinVar aggregate classification (germline): Uncertain significance (1 of 4 stars; one submission).

Conditions:
Emery-Dreifuss muscular dystrophy (EDMD). Also called: Scapuloperoneal syndrome, X-linked (formerly); Humeroperoneal neuromuscular disease, (formerly). Identifiers: Orphanet 261, MedGen C0410189, MONDO:0016830.

Allele frequency attached by ClinVar (database versions not stated): gnomAD exomes 0.00001; ExAC 0.00002; TOPMed 0.00006; gnomAD 0.00007; ESP Exome Variant Server 0.00008.
gnomAD v4.1: 31 of 1,610,324 alleles (0.0019%); highest among the groups gnomAD compares: Middle Eastern, 0.017%; no homozygotes.

Submission:

Labcorp Genetics (formerly Invitae), Labcorp
Classification: Uncertain significance for Emery-Dreifuss muscular dystrophy. Last evaluated: 2022-08-07. Review status: criteria provided, single submitter. Criteria: Invitae Variant Classification Sherloc (09022015). Collection method: clinical testing. Allele origin: germline.
Comment: This variant has not been reported in the literature in individuals affected with SUN2-related conditions. This sequence change replaces valine, which is neutral and non-polar, with isoleucine, which is neutral and non-polar, at codon 558 of the SUN2 protein (p.Val558Ile). This variant is present in population databases (rs371141749, gnomAD 0.01%). In summary, the available evidence is currently insufficient to determine the role of this variant in disease. Therefore, it has been classified as a Variant of Uncertain Significance. Algorithms developed to predict the effect of missense changes on protein structure and function output the following: SIFT: "Tolerated"; PolyPhen-2: "Probably Damaging"; Align-GVGD: "Class C0". The isoleucine amino acid residue is found in multiple mammalian species, which suggests that this missense change does not adversely affect protein function.

NM_015374.3(SUN2):c.1672G>A (p.Val558Ile)

Genes: GTPBP1 (GTP binding protein 1; plus strand), SUN2 (Sad1 and UNC84 domain containing 2; minus strand). Cytogenetic location: 22q13.1.
Variant type: single nucleotide variant.
Coding change: c.1672G>A on transcript NM_015374.3 (MANE Select); coding-DNA position 1672, G replaced by A.
Protein change: p.Val558Ile; replaces valine 558 with isoleucine.
Molecular consequence: missense variant.
Genome position (GRCh38, 1-based): chr22:38,738,980, C>T on the plus strand (G>A on the coding strand, the complement: SUN2 is on the minus strand). VCF-style: chr22-38738980-C-T. GRCh37 (hg19) VCF-style: chr22-39134985-C-T.
Other names: c.1735G>A, p.Val579Ile (NM_001199579.2, NM_001394428.1); c.1672G>A, p.Val558Ile (NM_001199580.2, NM_001394431.1, NM_001394432.1 and 3 more transcripts); c.1765G>A, p.Val589Ile (NM_001394427.1); c.1717G>A, p.Val573Ile (NM_001394429.1, NM_001394430.1); c.1669G>A, p.Val557Ile (NM_001394436.1, NM_001394437.1); c.1582G>A, p.Val528Ile (NM_001394438.1); c.1534G>A, p.Val512Ile (NM_001394439.1, NM_001394440.1, NM_001394441.1); c.1273G>A, p.Val425Ile (NM_001394442.1); and 2 more; short protein forms V579I, V394I, V528I, V366I, V512I, V425I, V557I, V558I.
Identifiers: ClinVar variation 1929494 (VCV001929494.5), dbSNP rs371141749, ClinGen allele CA10235455.